The following is an entry in ClinVar:

ClinVar aggregate classification (germline): Uncertain significance (1 of 4 stars; one submission).

Submission:

GeneDx
Classification: Uncertain significance. Last evaluated: 2022-07-05. Review status: criteria provided, single submitter. Criteria: GeneDx Variant Classification Process June 2021. Collection method: clinical testing. Allele origin: germline. Affected: yes.
Comment: Not observed at significant frequency in large population cohorts (gnomAD); In silico analysis supports that this missense variant has a deleterious effect on protein structure/function; Has not been previously published as pathogenic or benign to our knowledge

NM_013436.5(NCKAP1):c.2069A>G (p.Asn690Ser)

Gene: NCKAP1 (NCK associated protein 1; minus strand). Cytogenetic location: 2q32.1.
Variant type: single nucleotide variant.
Coding change: c.2069A>G on transcript NM_013436.5 (MANE Select); coding-DNA position 2069, A replaced by G.
Protein change: p.Asn690Ser; replaces asparagine 690 with serine.
Molecular consequence: missense variant.
Genome position (GRCh38, 1-based): chr2:182,956,546, T>C on the plus strand (A>G on the coding strand, the complement: NCKAP1 is on the minus strand). VCF-style: chr2-182956546-T-C. GRCh37 (hg19) VCF-style: chr2-183821274-T-C.
Other names: c.2087A>G, p.Asn696Ser (NM_205842.3); short protein forms N690S, N696S.
Identifiers: ClinVar variation 1810743 (VCV001810743.1), dbSNP rs2468593331, ClinGen allele CA349758403.